The following is an entry in ClinVar:

NM_032638.5(GATA2):c.1192C>T (p.Arg398Trp)

Gene: GATA2 (GATA binding protein 2; minus strand). Cytogenetic location: 3q21.3.
Variant type: single nucleotide variant.
Coding change: c.1192C>T on transcript NM_032638.5 (MANE Select); coding-DNA position 1192, C replaced by T.
Protein change: p.Arg398Trp; replaces arginine 398 with tryptophan.
Molecular consequence: missense variant.
Genome position (GRCh38, 1-based): chr3:128,481,270, G>A on the plus strand (C>T on the coding strand, the complement: GATA2 is on the minus strand). VCF-style: chr3-128481270-G-A. GRCh37 (hg19) VCF-style: chr3-128200113-G-A.
Other names: c.1192C>T, p.Arg398Trp (NM_001145661.2); c.1150C>T, p.Arg384Trp (NM_001145662.1); short protein forms R398W, R384W.
Identifiers: ClinVar variation 29709 (VCV000029709.26), dbSNP rs387906629, ClinGen allele CA128572.

ClinVar aggregate classification (germline): Pathogenic. Review status: criteria provided, multiple submitters, no conflicts (2 of 4 stars). 12 submissions from 12 submitters: Pathogenic (11). 1 of the submissions does not count toward it. Last evaluated 2025-11-19.

Conditions:
GATA2 deficiency with susceptibility to MDS/AML. Identifiers: MedGen CN300066, MONDO:0042982.
Deafness-lymphedema-leukemia syndrome. Also called: Lymphedema, primary, with myelodysplasia; Emberger syndrome. Identifiers: Orphanet 3226, MedGen C3279664, MONDO:0013540, OMIM 614038.
GATA2-related disorder. Also called: GATA2-Related Disorders; GATA2-related condition.
Inborn genetic diseases. Identifiers: MedGen C0950123, MeSH D030342.
Monocytopenia with susceptibility to infections. Also called: GATA2 DEFICIENCY; COMBINED IMMUNODEFICIENCY WITH SUSCEPTIBILITY TO MYCOBACTERIAL, VIRAL, AND FUNGAL INFECTIONS; MONOCYTOPENIA AND MYCOBACTERIAL INFECTION SYNDROME; MONOCYTOPENIA WITH SUSCEPTIBILITY TO MYCOBACTERIAL, FUNGAL, AND PAPILLOMAVIRUS INFECTIONS AND MYELODYSPLASIA; Dendritic cell, monocyte, B lymphocyte, and natural killer lymphocyte deficiency; IMMUNODEFICIENCY 21. Identifiers: Orphanet 228423, MedGen C3280030, MONDO:0013607, OMIM 614172.
Leukemia, acute myeloid, susceptibility to. Identifiers: MedGen C3275959, MONDO:0100173.

Allele frequency attached by ClinVar (database versions not stated): gnomAD exomes below 0.00001.

Submissions (12):

PreventionGenetics, part of Exact Sciences
Classification: Pathogenic for GATA2-related condition. Last evaluated: 2025-11-19. Review status: criteria provided, single submitter. Criteria: ACMG Guidelines, 2015. Collection method: clinical testing. Allele origin: germline.
Comment: The GATA2 c.1192C>T variant is predicted to result in the amino acid substitution p.Arg398Trp. This variant has been reported in several unrelated individuals with monocytopenia and mycobacterial infection (MonoMAC) and other GATA2-related disorders (See for examples, Hsu et al. 2011. PubMed ID: 21670465; Dickinson et al. 2011. PubMed ID: 21765025; Mace et al. 2013. PubMed ID: 23365458; Ganapathi et al. 2015. PubMed ID: 25359990). This variant has not been reported in a large population database (gnomAD), indicating this variant is rare. This variant is reported as pathogenic in the ClinVar database. This variant is interpreted as pathogenic.

Genomic Medicine Center of Excellence, King Faisal Specialist Hospital and Research Centre
Classification: Pathogenic for Monocytopenia with susceptibility to infections. Last evaluated: 2025-09-10. Review status: criteria provided, single submitter. Criteria: ACMG Guidelines, 2015. Collection method: clinical testing. Allele origin: germline.

Labcorp Genetics (formerly Invitae), Labcorp
Classification: Pathogenic for Monocytopenia with susceptibility to infections; Deafness-lymphedema-leukemia syndrome. Last evaluated: 2025-09-09. Review status: criteria provided, single submitter. Criteria: Invitae Variant Classification Sherloc (09022015). Collection method: clinical testing. Allele origin: germline.
Comment: This sequence change replaces arginine, which is basic and polar, with tryptophan, which is neutral and slightly polar, at codon 398 of the GATA2 protein (p.Arg398Trp). This variant is not present in population databases (gnomAD no frequency). This missense change has been observed in individuals with GATA2 deficiency (PMID: 21670465, 21765025). ClinVar contains an entry for this variant (Variation ID: 29709). Invitae Evidence Modeling of protein sequence and biophysical properties (such as structural, functional, and spatial information, amino acid conservation, physicochemical variation, residue mobility, and thermodynamic stability) indicates that this missense variant is expected to disrupt GATA2 protein function with a positive predictive value of 95%. Experimental studies have shown that this missense change affects GATA2 function (PMID: 29882021). For these reasons, this variant has been classified as Pathogenic.

GeneDx
Classification: Pathogenic. Last evaluated: 2025-02-10. Review status: criteria provided, single submitter. Criteria: GeneDx Variant Classification Process June 2021. Collection method: clinical testing. Allele origin: germline. Affected: yes.
Comment: Not observed at significant frequency in large population cohorts (gnomAD); In silico analysis supports that this missense variant has a deleterious effect on protein structure/function; This variant is associated with the following publications: (PMID: 31106410, 23365458, 26264606, 29724903, 28485484, 36357187, 37216690, 28104920, 34233447, 35753512, 33417088, 26702063, 25359990, 20040766, 21242295, 31256854, 24077845, 30578959, 24345756, 24227816, 23502222, 21810969, 8701948, 30714451, 21670465, 34529785, 26492932, 21765025, 29882021, 34576178)

Ambry Genetics
Classification: Pathogenic for Inborn genetic diseases. Last evaluated: 2023-12-15. Review status: criteria provided, single submitter. Criteria: Ambry Variant Classification Scheme 2023. Collection method: clinical testing. Allele origin: germline.
Comment: The p.R398W pathogenic mutation (also known as c.1192C>T), located in coding exon 5 of the GATA2 gene, results from a C to T substitution at nucleotide position 1192. The arginine at codon 398 is replaced by tryptophan, an amino acid with dissimilar properties. This mutation has been detected in multiple unrelated individuals with GATA2 deficiency syndrome (Dickinson RE et al. Blood, 2011 Sep;118:2656-8; Hsu AP et al. Blood, 2011 Sep;118:2653-5; Churpek JE et al. Blood, 2015 Nov;126:2484-90; Mardahl M et al. Br J Haematol, 2019 Aug;186:471-476; West RR et al. Blood Adv, 2022 Feb;6:793-807). This amino acid position is highly conserved in available vertebrate species. In addition, this alteration is predicted to be deleterious by in silico analysis. This variant is considered to be rare based on population cohorts in the Genome Aggregation Database (gnomAD). Based on the supporting evidence, this alteration is interpreted as a disease-causing mutation.

Clinical Genetics Laboratory, Skane University Hospital Lund
Classification: Pathogenic. Last evaluated: 2022-07-13. Review status: criteria provided, single submitter. Criteria: ACMG Guidelines, 2015. Collection method: clinical testing. Allele origin: germline. Affected: yes.

Mayo Clinic Laboratories, Mayo Clinic
Classification: Pathogenic. Last evaluated: 2022-04-13. Review status: criteria provided, single submitter. Criteria: ACMG Guidelines, 2015. Collection method: clinical testing. Allele origin: germline. Observed: 30 variant alleles.
Comment: PP3, PM1, PM2_supporting, PS3, PS4

Laboratory of Medical Genetics, National & Kapodistrian University of Athens
Classification: Pathogenic for Monocytopenia with susceptibility to infections. Last evaluated: 2022-02-17. Review status: criteria provided, single submitter. Criteria: ACMG Guidelines, 2015. Collection method: clinical testing. Allele origin: germline. Affected: yes.
Comment: PS4, PM1, PM2, PM5, PP2, PP3, PP5

Molecular Pathology Research Laboratory, SA Pathology
Classification: Pathogenic for GATA2 deficiency with susceptibility to MDS/AML; Deafness-lymphedema-leukemia syndrome. Last evaluated: 2021-07-06. Review status: criteria provided, single submitter. Criteria: ACMG Guidelines, 2015. Collection method: curation. Allele origin: germline. Inheritance: Autosomal dominant inheritance. Affected: yes. Observed: 22 variant alleles. Clinical features observed: Myelodysplasia, Acute Myeloid Leukemia, Immunodeficiency, Hematological abnormality, Chronic myelomonocytic leukemia, Juvenile myelomonocytic leukemia, Lymphedema.
Comment: PS3, PS4, PM1, PM2, PM5, PP1_Moderate, PP3

Blueprint Genetics
Classification: Pathogenic for GATA2-related disorders. Last evaluated: 2020-02-19. Review status: criteria provided, single submitter. Criteria: ACMG Guidelines, 2015. Collection method: clinical testing. Allele origin: germline. Affected: yes. Observed: 3 variant alleles.

Genetic Services Laboratory, University of Chicago
Classification: Pathogenic for {Leukemia, acute myeloid, susceptibility to}. Last evaluated: 2016-06-14. Review status: criteria provided, single submitter. Criteria: ACMG Guidelines, 2015. Collection method: clinical testing. Allele origin: germline. Affected: yes.

OMIM
Classification: Pathogenic for IMMUNODEFICIENCY 21. Last evaluated: 2011-09-08. Review status: no assertion criteria provided. Collection method: literature only. Allele origin: germline. Not counted in ClinVar's aggregate classification.

Literature cited by the submitters: PubMed 21670465 (cited by 4 submitters); PubMed 21765025 (cited by 4 submitters); PubMed 29882021 (cited by Labcorp Genetics (formerly Invitae), Labcorp); PubMed 26492932 (cited by Ambry Genetics and Molecular Pathology Research Laboratory, SA Pathology); PubMed 31106410 (cited by Ambry Genetics and Molecular Pathology Research Laboratory, SA Pathology); PubMed 34529785 (cited by Ambry Genetics); PubMed 24227816 (cited by Molecular Pathology Research Laboratory, SA Pathology); PubMed 24077845 (cited by Molecular Pathology Research Laboratory, SA Pathology); PubMed 20040766 (cited by Molecular Pathology Research Laboratory, SA Pathology and OMIM); PubMed 8701948 (cited by Molecular Pathology Research Laboratory, SA Pathology); PubMed 23502222 (cited by Molecular Pathology Research Laboratory, SA Pathology); PubMed 25359990 (cited by Molecular Pathology Research Laboratory, SA Pathology); PubMed 21810969 (cited by Molecular Pathology Research Laboratory, SA Pathology); PubMed 24345756 (cited by Molecular Pathology Research Laboratory, SA Pathology); PubMed 31256854 (cited by Molecular Pathology Research Laboratory, SA Pathology); PubMed 26702063 (cited by Molecular Pathology Research Laboratory, SA Pathology); PubMed 28104920 (cited by Molecular Pathology Research Laboratory, SA Pathology); PubMed 29724903 (cited by Molecular Pathology Research Laboratory, SA Pathology); PubMed 26264606 (cited by Molecular Pathology Research Laboratory, SA Pathology); PubMed 30578959 (cited by Molecular Pathology Research Laboratory, SA Pathology); PubMed 33417088 (cited by Molecular Pathology Research Laboratory, SA Pathology); PubMed 21242295 (cited by OMIM).